The following is an entry in ClinVar:

NM_152383.5(DIS3L2):c.1859_1866del (p.Asp620fs)

Gene: DIS3L2 (DIS3 like 3'-5' exoribonuclease 2; plus strand). Cytogenetic location: 2q37.1.
Variant type: Deletion.
Coding change: c.1859_1866del on transcript NM_152383.5 (MANE Select); coding-DNA positions 1859 to 1866, 8 bases deleted (ACCTGGTG; older notation c.1859_1866delACCTGGTG).
Protein change: p.Asp620fs; shifts the reading frame from aspartic acid 620.
Molecular consequence: frameshift variant. On other transcripts: non-coding transcript variant (2), intron variant (1).
Genome position (GRCh38, 1-based): chr2:232,329,932-232,329,939, ACCTGGTG deleted; deleting any 8 consecutive bases within chr2:232,329,929-232,329,939 gives the same sequence; the c. name uses the placement nearest the transcript's 3' end. VCF-style (leftmost placement, unchanged base first): chr2-232329928-AGTGACCTG-A. GRCh37 (hg19) VCF-style: chr2-233194638-AGTGACCTG-A.
Other names: c.1582-13413_1582-13406del (NM_001257281.2); short protein forms D620fs.
Identifiers: ClinVar variation 1425758 (VCV001425758.1), dbSNP rs2106348112, ClinGen allele CA2573135495.

ClinVar aggregate classification (germline): Pathogenic (1 of 4 stars; one submission).

Conditions:
Perlman syndrome (PRLMNS). Identifiers: Orphanet 2849, MedGen C0796113, MONDO:0009965, OMIM 267000.

Submission:

Labcorp Genetics (formerly Invitae), Labcorp
Classification: Pathogenic for Perlman syndrome. Last evaluated: 2021-04-16. Review status: criteria provided, single submitter. Criteria: Invitae Variant Classification Sherloc (09022015). Collection method: clinical testing. Allele origin: germline.
Comment: This sequence change creates a premature translational stop signal (p.Asp620Glyfs*20) in the DIS3L2 gene. It is expected to result in an absent or disrupted protein product. Loss-of-function variants in DIS3L2 are known to be pathogenic (PMID: 22306653, 28328139). This variant is not present in population databases (ExAC no frequency). This variant has not been reported in the literature in individuals with DIS3L2-related conditions. For these reasons, this variant has been classified as Pathogenic.

Literature cited by the submitters: PubMed 22306653; PubMed 28328139.